The following is an entry in ClinVar:

ClinVar aggregate classification (germline): Uncertain significance (1 of 4 stars; one submission).

Allele frequency attached by ClinVar (database versions not stated): gnomAD exomes below 0.00001.
gnomAD v4.1: 1 of 1,614,200 alleles (0.000062%); highest among the groups gnomAD compares: Non-Finnish European, 0.000085%; no homozygotes.

Submission:

Women's Health and Genetics/Laboratory Corporation of America, LabCorp
Classification: Uncertain significance. Last evaluated: 2024-02-29. Review status: criteria provided, single submitter. Criteria: LabCorp Variant Classification Summary - May 2015. Collection method: clinical testing. Allele origin: germline.
Comment: Variant summary: CHAMP1 c.1739A>G (p.Asp580Gly) results in a non-conservative amino acid change in the encoded protein sequence. Four of five in-silico tools predict a benign effect of the variant on protein function. The variant was absent in 251292 control chromosomes. The available data on variant occurrences in the general population are insufficient to allow any conclusion about variant significance. To our knowledge, no occurrence of c.1739A>G in individuals affected with Intellectual Disability, Autosomal Dominant 40 and no experimental evidence demonstrating its impact on protein function have been reported. No submitters have cited clinical-significance assessments for this variant to ClinVar. Based on the evidence outlined above, the variant was classified as uncertain significance.

NM_032436.4(CHAMP1):c.1739A>G (p.Asp580Gly)

Gene: CHAMP1 (chromosome alignment maintaining phosphoprotein 1; plus strand). Cytogenetic location: 13q34.
Variant type: single nucleotide variant.
Coding change: c.1739A>G on transcript NM_032436.4 (MANE Select); coding-DNA position 1739, A replaced by G.
Protein change: p.Asp580Gly; replaces aspartic acid 580 with glycine.
Molecular consequence: missense variant.
Genome position (GRCh38, 1-based): chr13:114,325,581, A>G. VCF-style: chr13-114325581-A-G. GRCh37 (hg19) VCF-style: chr13-115091056-A-G.
Other names: c.1739A>G, p.Asp580Gly (NM_001164144.3, NM_001164145.3); short protein forms D580G.
Identifiers: ClinVar variation 3068785 (VCV003068785.2), dbSNP rs2503203132, ClinGen allele CA388849557.